The following is an entry in ClinVar:

NM_198859.4(PRICKLE2):c.1184G>A (p.Arg395Lys)

Gene: PRICKLE2 (prickle planar cell polarity protein 2; minus strand). Cytogenetic location: 3p14.1.
Variant type: single nucleotide variant.
Coding change: c.1184G>A on transcript NM_198859.4 (MANE Select); coding-DNA position 1184, G replaced by A.
Protein change: p.Arg395Lys; replaces arginine 395 with lysine.
Molecular consequence: missense variant.
Genome position (GRCh38, 1-based): chr3:64,147,306, C>T on the plus strand (G>A on the coding strand, the complement: PRICKLE2 is on the minus strand). VCF-style: chr3-64147306-C-T. GRCh37 (hg19) VCF-style: chr3-64132982-C-T.
Other names: c.1184G>A, p.Arg395Lys (NM_001370528.1); short protein forms R395K.
Identifiers: ClinVar variation 652129 (VCV000652129.6), dbSNP rs772212890, ClinGen allele CA2479677.

ClinVar aggregate classification (germline): Uncertain significance (1 of 4 stars; one submission).

Conditions:
Progressive myoclonic epilepsy type 5. Identifiers: Orphanet 402082, MedGen C5190799.

Allele frequency attached by ClinVar (database versions not stated): gnomAD exomes below 0.00001; ExAC 0.00001.
gnomAD v4.1: 5 of 1,613,908 alleles (0.00031%); highest among the groups gnomAD compares: Non-Finnish European, 0.000085%; no homozygotes.

Submission:

Labcorp Genetics (formerly Invitae), Labcorp
Classification: Uncertain significance for Progressive myoclonic epilepsy type 5. Last evaluated: 2024-10-15. Review status: criteria provided, single submitter. Criteria: Invitae Variant Classification Sherloc (09022015). Collection method: clinical testing. Allele origin: germline.
Comment: This sequence change replaces arginine, which is basic and polar, with lysine, which is basic and polar, at codon 395 of the PRICKLE2 protein (p.Arg395Lys). This variant is present in population databases (rs772212890, gnomAD 0.01%). This variant has not been reported in the literature in individuals affected with PRICKLE2-related conditions. ClinVar contains an entry for this variant (Variation ID: 652129). An algorithm developed to predict the effect of missense changes on protein structure and function (PolyPhen-2) suggests that this variant is likely to be tolerated. In summary, the available evidence is currently insufficient to determine the role of this variant in disease. Therefore, it has been classified as a Variant of Uncertain Significance.